The following is an entry in ClinVar:

NM_022124.6(CDH23):c.6569G>A (p.Gly2190Asp)

Gene: CDH23 (cadherin related 23; plus strand). Cytogenetic location: 10q22.1.
Variant type: single nucleotide variant.
Coding change: c.6569G>A on transcript NM_022124.6 (MANE Select); coding-DNA position 6569, G replaced by A.
Protein change: p.Gly2190Asp; replaces glycine 2190 with aspartic acid.
Molecular consequence: missense variant.
Genome position (GRCh38, 1-based): chr10:71,793,497, G>A. VCF-style: chr10-71793497-G-A. GRCh37 (hg19) VCF-style: chr10-73553254-G-A.
Other names: short protein forms G2190D.
Identifiers: ClinVar variation 2663606 (VCV002663606.3), dbSNP rs371090961, ClinGen allele CA5546121.

ClinVar aggregate classification (germline): Uncertain significance. Review status: criteria provided, multiple submitters, no conflicts (2 of 4 stars). 3 submissions from 3 submitters: Uncertain significance (3). Last evaluated 2025-08-22.

Conditions:
Autosomal recessive nonsyndromic hearing loss 12. Also called: DEAFNESS, AUTOSOMAL RECESSIVE 12. Identifiers: Orphanet 90636, MedGen C1832394, MONDO:0011067, OMIM 601386.

Allele frequency attached by ClinVar (database versions not stated): gnomAD 0.00002; TOPMed 0.00005; ExAC 0.00007; ESP Exome Variant Server 0.00008; 1000 Genomes Project 30x 0.00016; 1000 Genomes Project 0.00020.
gnomAD v4.1: 27 of 1,613,958 alleles (0.0017%); highest among the groups gnomAD compares: East Asian, 0.025%; no homozygotes.

Submissions (3):

3billion
Classification: Uncertain significance for Autosomal recessive nonsyndromic hearing loss 12. Last evaluated: 2025-08-22. Review status: criteria provided, single submitter. Criteria: ACMG Guidelines, 2015. Collection method: clinical testing. Allele origin: germline. Affected: yes.
Comment: The variant is observed at an extremely low frequency in the gnomAD v4.1.0 dataset (total allele frequency: 0.002%). Predicted Consequence/Location: Missense variant. The majority of the known disease-causing variants of this gene are variants expected to result in premature termination of the protein. In silico tool predictions suggest damaging effect of the variant on gene or gene product [REVEL: 0.66 (>=0.6, sensitivity 0.68 and specificity 0.92)]. The same nucleotide change resulting in the same amino acid change has been previously reported to be associated with CDH23-related disorder (PMID: 29625443). However, the evidence of pathogenicity is insufficient at this time. Therefore, this variant is classified as VUS according to the recommendation of ACMG/AMP guideline.

GeneDx
Classification: Uncertain significance. Last evaluated: 2023-04-11. Review status: criteria provided, single submitter. Criteria: GeneDx Variant Classification Process June 2021. Collection method: clinical testing. Allele origin: germline. Affected: yes.
Comment: Reported in a patient with Usher syndrome in published literature (Sun et al., 2018); this patient was also found to have variants in another gene related to the phenotype; In silico analysis supports that this missense variant has a deleterious effect on protein structure/function; This variant is associated with the following publications: (PMID: 29625443)

Blueprint Genetics
Classification: Uncertain significance. Last evaluated: 2020-09-16. Review status: criteria provided, single submitter. Criteria: ACMG Guidelines, 2015. Collection method: clinical testing. Allele origin: germline.

Literature cited by the submitters: PubMed 29625443 (cited by 3billion).